The following is an entry in ClinVar:

ClinVar aggregate classification (germline): Uncertain significance. Review status: criteria provided, multiple submitters, no conflicts (2 of 4 stars). 2 submissions from 2 submitters: Uncertain significance (2). Last evaluated 2021-12-02.

Conditions:
Autosomal recessive limb-girdle muscular dystrophy type 2K. Also called: MUSCULAR DYSTROPHY-DYSTROGLYCANOPATHY (LIMB-GIRDLE), TYPE C, 1; MUSCULAR DYSTROPHY, LIMB-GIRDLE, TYPE 2K. Identifiers: Orphanet 86812, MedGen C1836373, MONDO:0012248, OMIM 609308.
Muscular dystrophy-dystroglycanopathy (congenital with impaired intellectual development), type B, 1. Also called: Muscular dystrophy-dystroglycanopathy (congenital with intellectual disability), type B1; MUSCULAR DYSTROPHY, CONGENITAL, POMT1-RELATED. Identifiers: MedGen C5436962, MONDO:0013159, OMIM 613155.
Walker-Warburg congenital muscular dystrophy. Also called: Muscular dystrophy-dystroglycanopathy, type A; Walker-Warburg syndrome. Identifiers: Orphanet 899, MedGen C0265221, MONDO:0000171.

Allele frequency attached by ClinVar (database versions not stated): gnomAD exomes below 0.00001.
gnomAD v4.1: 1 of 1,614,226 alleles (0.000062%); no homozygotes.

Submissions (2):

Labcorp Genetics (formerly Invitae), Labcorp
Classification: Uncertain significance for Muscular dystrophy-dystroglycanopathy (congenital with impaired intellectual development), type B, 1; Walker-Warburg congenital muscular dystrophy; Autosomal recessive limb-girdle muscular dystrophy type 2K. Last evaluated: 2021-12-02. Review status: criteria provided, single submitter. Criteria: Invitae Variant Classification Sherloc (09022015). Collection method: clinical testing. Allele origin: germline.
Comment: This sequence change replaces alanine, which is neutral and non-polar, with valine, which is neutral and non-polar, at codon 264 of the POMT1 protein (p.Ala264Val). This variant is not present in population databases (gnomAD no frequency). This variant has not been reported in the literature in individuals affected with POMT1-related conditions. ClinVar contains an entry for this variant (Variation ID: 498202). Algorithms developed to predict the effect of missense changes on protein structure and function are either unavailable or do not agree on the potential impact of this missense change (SIFT: "Tolerated"; PolyPhen-2: "Probably Damaging"; Align-GVGD: "Class C0"). In summary, the available evidence is currently insufficient to determine the role of this variant in disease. Therefore, it has been classified as a Variant of Uncertain Significance.

Eurofins Ntd Llc (ga)
Classification: Uncertain significance. Last evaluated: 2016-11-10. Review status: criteria provided, single submitter. Criteria: EGL Classification Definitions 2015. Collection method: clinical testing. Allele origin: germline. Observed: 1 variant allele, 1 heterozygote.

NM_001077365.2(POMT1):c.725C>T (p.Ala242Val)

Gene: POMT1 (protein O-mannosyltransferase 1; plus strand). Cytogenetic location: 9q34.13.
Variant type: single nucleotide variant.
Coding change: c.725C>T on transcript NM_001077365.2 (MANE Select); coding-DNA position 725, C replaced by T.
Protein change: p.Ala242Val; replaces alanine 242 with valine.
Molecular consequence: missense variant. On other transcripts: synonymous variant (1), non-coding transcript variant (10).
Genome position (GRCh38, 1-based): chr9:131,510,285, C>T. VCF-style: chr9-131510285-C-T. GRCh37 (hg19) VCF-style: chr9-134385672-C-T.
Other names: c.563C>T, p.Ala188Val (NM_001077366.2, NM_001353194.2, NM_001374693.1); c.725C>T, p.Ala242Val (NM_001136113.2, NM_001374690.1); c.374C>T, p.Ala125Val (NM_001136114.2, NM_001353195.2, NM_001374691.1 and 1 more transcripts); c.791C>T, p.Ala264Val (NM_001353193.2, NM_007171.4); c.635C>T, p.Ala212Val (NM_001353196.2); c.629C>T, p.Ala210Val (NM_001353197.2, NM_001353198.2); c.440C>T, p.Ala147Val (NM_001353199.2); c.269C>T, p.Ala90Val (NM_001353200.2); and 2 more; short protein forms A264V, A212V, A90V, A188V, A125V, A147V, A242V, A210V.
Identifiers: ClinVar variation 498202 (VCV000498202.9), dbSNP rs1554774466, ClinGen allele CA375307671.
Genomic context (GRCh38, chr9:131,510,285, plus strand): 5'-CAGTGGAACATGACTTTTCTTTGAATCTCTGGCAGGTCTGTGTGTTCTGTCACTTGCTCG[C>T]CCGAGCAGTGGCTTTGCTGGTCATCCCGGTCGTCCTGTACTTACTGTTCTTCTACGTCCA-3'
Protein context (NP_001070833.1, residues 232-252): SNVCVFCHLL[Ala242Val]RAVALLVIPV